The following is an entry in ClinVar:

NM_014244.5(ADAMTS2):c.2458-71C>G

Gene: ADAMTS2 (ADAM metallopeptidase with thrombospondin type 1 motif 2; minus strand). Cytogenetic location: 5q35.3.
Variant type: single nucleotide variant.
Coding change: c.2458-71C>G on transcript NM_014244.5 (MANE Select); 71 bases into the intron before coding-DNA position 2458, C replaced by G.
Molecular consequence: intron variant.
Genome position (GRCh38, 1-based): chr5:179,128,189, G>C on the plus strand (C>G on the coding strand, the complement: ADAMTS2 is on the minus strand). VCF-style: chr5-179128189-G-C. GRCh37 (hg19) VCF-style: chr5-178555190-G-C.
Identifiers: ClinVar variation 676508 (VCV000676508.2), dbSNP rs73806908, ClinGen allele CA133032021.

ClinVar aggregate classification (germline): Likely benign. Review status: criteria provided, multiple submitters, no conflicts (2 of 4 stars). 2 submissions from 2 submitters: Likely benign (2). Last evaluated 2018-06-16.

Allele frequency attached by ClinVar (database versions not stated): 1000 Genomes Project 30x 0.00687; 1000 Genomes Project 0.00719; TOPMed 0.00800.

Submissions (2):

GeneDx
Classification: Likely benign. Last evaluated: 2018-06-16. Review status: criteria provided, single submitter. Criteria: GeneDx Variant Classification (06012015). Collection method: clinical testing. Allele origin: germline. Affected: yes.
Comment: This variant is considered likely benign or benign based on one or more of the following criteria: it is a conservative change, it occurs at a poorly conserved position in the protein, it is predicted to be benign by multiple in silico algorithms, and/or has population frequency not consistent with disease.

Breakthrough Genomics
Classification: Likely benign. Review status: criteria provided, single submitter. Criteria: ACMG Guidelines, 2015. Collection method: not provided. Allele origin: germline. Inheritance: Autosomal recessive inheritance. Affected: yes.